The following is an entry in ClinVar:

NM_198253.3(TERT):c.3362C>T (p.Pro1121Leu)

Gene: TERT (telomerase reverse transcriptase; minus strand). Cytogenetic location: 5p15.33.
Variant type: single nucleotide variant.
Coding change: c.3362C>T on transcript NM_198253.3 (MANE Select); coding-DNA position 3362, C replaced by T.
Protein change: p.Pro1121Leu; replaces proline 1121 with leucine.
Molecular consequence: missense variant. On other transcripts: non-coding transcript variant (2).
Genome position (GRCh38, 1-based): chr5:1,253,765, G>A on the plus strand (C>T on the coding strand, the complement: TERT is on the minus strand). VCF-style: chr5-1253765-G-A. GRCh37 (hg19) VCF-style: chr5-1253880-G-A.
Other names: c.3173C>T, p.Pro1058Leu (NM_001193376.3); short protein forms P1121L, P1058L.
Identifiers: ClinVar variation 546283 (VCV000546283.10), dbSNP rs1554038054, ClinGen allele CA359066584.

ClinVar aggregate classification (germline): Conflicting classifications of pathogenicity. Review status: criteria provided, conflicting classifications (1 of 4 stars). 4 submissions from 4 submitters: Likely pathogenic (1); Uncertain significance (3). Last evaluated 2026-05-15.

Conditions:
Dyskeratosis congenita, autosomal dominant 2. Identifiers: MedGen C3151443, MONDO:0013521, OMIM 613989.
Idiopathic Pulmonary Fibrosis. Also called: Idiopathic fibrosing alveolitis, chronic form; idiopathic fibrosing alveolitis. Identifiers: Orphanet 2032, MedGen C1800706, MeSH D054990, MONDO:0800504.
Dyskeratosis congenita. Identifiers: Orphanet 1775, MedGen C0265965, MONDO:0015780.
TERT-related disorder. Also called: TERT-related condition; TERT-related disorders.

Allele frequency attached by ClinVar (database versions not stated): gnomAD exomes below 0.00001.
gnomAD v4.1: 4 of 1,612,232 alleles (0.00025%); highest among the groups gnomAD compares: Non-Finnish European, 0.00034%; no homozygotes.

Submissions (4):

Ambry Genetics
Classification: Uncertain significance for Dyskeratosis congenita. Last evaluated: 2026-05-15. Review status: criteria provided, single submitter. Criteria: Ambry Variant Classification Scheme 2023. Collection method: clinical testing. Allele origin: germline.
Comment: The p.P1121L variant (also known as c.3362C>T), located in coding exon 16 of the TERT gene, results from a C to T substitution at nucleotide position 3362. The proline at codon 1121 is replaced by leucine, an amino acid with similar properties. This variant was reported in individual(s) with features consistent with TERT-related disorder (Ferrer A et al. Blood Cancer J, 2020 Nov;10:120). This amino acid position is highly conserved in available vertebrate species. In addition, the in silico prediction for this alteration is inconclusive. Based on the available evidence, the clinical significance of this variant remains unclear.

Labcorp Genetics (formerly Invitae), Labcorp
Classification: Uncertain significance for Dyskeratosis congenita, autosomal dominant 2; Idiopathic Pulmonary Fibrosis. Last evaluated: 2025-06-08. Review status: criteria provided, single submitter. Criteria: Invitae Variant Classification Sherloc (09022015). Collection method: clinical testing. Allele origin: germline.
Comment: This sequence change replaces proline, which is neutral and non-polar, with leucine, which is neutral and non-polar, at codon 1121 of the TERT protein (p.Pro1121Leu). This variant is not present in population databases (gnomAD no frequency). This variant has not been reported in the literature in individuals affected with TERT-related conditions. ClinVar contains an entry for this variant (Variation ID: 546283). Invitae Evidence Modeling of protein sequence and biophysical properties (such as structural, functional, and spatial information, amino acid conservation, physicochemical variation, residue mobility, and thermodynamic stability) indicates that this missense variant is expected to disrupt TERT protein function with a positive predictive value of 95%. In summary, the available evidence is currently insufficient to determine the role of this variant in disease. Therefore, it has been classified as a Variant of Uncertain Significance.

Blueprint Genetics
Classification: Likely pathogenic for TERT-related disorders. Last evaluated: 2024-01-23. Review status: criteria provided, single submitter. Criteria: ACMG Guidelines, 2015. Collection method: clinical testing. Allele origin: germline. Affected: yes. Observed: 5 variant alleles.

GeneDx
Classification: Uncertain significance. Last evaluated: 2018-05-18. Review status: criteria provided, single submitter. Criteria: GeneDx Variant Classification (06012015). Collection method: clinical testing. Allele origin: germline. Affected: yes.
Comment: The P1121L variant in the TERT gene has not been reported previously as a pathogenic variant, nor as a benign variant, to our knowledge. The P1121L variant is not observed in large population cohorts (Lek et al., 2016). The P1121L variant is a semi-conservative amino acid substitution, which may impact secondary protein structure as these residues differ in some properties. In-silico analyses, including protein predictors and evolutionary conservation, support a deleterious effect. We interpret P1121L as a variant of uncertain significance.

Literature cited by the submitters: PubMed 33203829 (cited by Ambry Genetics).